The following is an entry in ClinVar:

ClinVar aggregate classification (germline): Uncertain significance (1 of 4 stars; one submission).

Submission:

Labcorp Genetics (formerly Invitae), Labcorp
Classification: Uncertain significance. Last evaluated: 2020-05-21. Review status: criteria provided, single submitter. Criteria: Invitae Variant Classification Sherloc (09022015). Collection method: clinical testing. Allele origin: germline.
Comment: This variant results in a copy number gain of the genomic region encompassing the full coding sequence of the ABRAXAS1 gene. The boundaries of this event are unknown as they extend beyond the assayed region for this gene and therefore may encompass additional genes. As the precise location of this event is unknown, it may be in tandem or it may be located elsewhere in the genome. This variant has not been reported in the literature in individuals with ABRAXAS1-related conditions. In summary, the available evidence is currently insufficient to determine the role of this variant in disease. Therefore, it has been classified as a Variant of Uncertain Significance.

NC_000004.11:g.(?_84383622)_(84406225_?)dup

Gene: ABRAXAS1 (abraxas 1, BRCA1 A complex subunit; minus strand). Cytogenetic location: 4q21.23.
Variant type: Duplication.
Identifiers: ClinVar variation 1056362 (VCV001056362.2).